The following is an entry in ClinVar:

NM_001330723.2(SNX27):c.707G>A (p.Arg236His)

Gene: SNX27 (sorting nexin 27; plus strand). Cytogenetic location: 1q21.3.
Variant type: single nucleotide variant.
Coding change: c.707G>A on transcript NM_001330723.2 (MANE Select); coding-DNA position 707, G replaced by A.
Protein change: p.Arg236His; replaces arginine 236 with histidine.
Molecular consequence: missense variant.
Genome position (GRCh38, 1-based): chr1:151,658,398, G>A. VCF-style: chr1-151658398-G-A. GRCh37 (hg19) VCF-style: chr1-151630874-G-A.
Other names: c.707G>A, p.Arg236His (NM_030918.6); short protein forms R236H.
Identifiers: ClinVar variation 848251 (VCV000848251.8), dbSNP rs1669794702, ClinGen allele CA341959284.

ClinVar aggregate classification (germline): Uncertain significance (1 of 4 stars; one submission).

Conditions:
Severe myoclonic epilepsy in infancy (DRVT). Also called: SEVERE MYOCLONIC EPILEPSY OF INFANCY; DEVELOPMENTAL AND EPILEPTIC ENCEPHALOPATHY 6A; Severe Myoclonic Epilepsy in Infancy (SMEI); Dravet syndrome; Epileptic encephalopathy, early infantile, 6 (Dravet syndrome). Identifiers: Orphanet 33069, MedGen C0751122, MONDO:0100135, OMIM 607208.

Allele frequency attached by ClinVar (database versions not stated): gnomAD exomes below 0.00001.
gnomAD v4.1: 2 of 1,614,018 alleles (0.00012%); highest among the groups gnomAD compares: Non-Finnish European, 0.00017%; no homozygotes.

Submission:

Labcorp Genetics (formerly Invitae), Labcorp
Classification: Uncertain significance for Severe myoclonic epilepsy in infancy. Last evaluated: 2023-05-15. Review status: criteria provided, single submitter. Criteria: Invitae Variant Classification Sherloc (09022015). Collection method: clinical testing. Allele origin: germline.
Comment: In summary, the available evidence is currently insufficient to determine the role of this variant in disease. Therefore, it has been classified as a Variant of Uncertain Significance. An algorithm developed to predict the effect of missense changes on protein structure and function (PolyPhen-2) suggests that this variant is likely to be disruptive. ClinVar contains an entry for this variant (Variation ID: 848251). This variant has not been reported in the literature in individuals affected with SNX27-related conditions. This variant is not present in population databases (gnomAD no frequency). This sequence change replaces arginine, which is basic and polar, with histidine, which is basic and polar, at codon 236 of the SNX27 protein (p.Arg236His).